The following is an entry in ClinVar:

NM_005732.4(RAD50):c.2054A>T (p.Gln685Leu)

Gene: RAD50 (RAD50 double strand break repair protein; plus strand). Cytogenetic location: 5q31.1.
Variant type: single nucleotide variant.
Coding change: c.2054A>T on transcript NM_005732.4 (MANE Select); coding-DNA position 2054, A replaced by T.
Protein change: p.Gln685Leu; replaces glutamine 685 with leucine.
Molecular consequence: missense variant.
Genome position (GRCh38, 1-based): chr5:132,595,657, A>T. VCF-style: chr5-132595657-A-T. GRCh37 (hg19) VCF-style: chr5-131931349-A-T.
Other names: short protein forms Q685L.
Identifiers: ClinVar variation 3942177 (VCV003942177.1).
Genomic context (GRCh38, chr5:132,595,657, plus strand): 5'-TTTACTCCCAGTTCATTACTCAGCTAACAGACGAAAACCAGTCATGTTGCCCCGTTTGTC[A>T]GAGAGTTTTTCAGACAGAGGCTGAGTTACAAGAAGTCATCAGTGATTTGCAGTCTAAACT-3'
Protein context (NP_005723.2, residues 675-695): DENQSCCPVC[Gln685Leu]RVFQTEAELQ

ClinVar aggregate classification (germline): Uncertain significance (1 of 4 stars; one submission).

Conditions:
Hereditary cancer-predisposing syndrome. Also called: Tumor predisposition; Hereditary neoplastic syndrome; Hereditary Cancer Syndrome; Neoplastic Syndromes, Hereditary. Identifiers: Orphanet 140162, MedGen C0027672, MeSH D009386, MONDO:0015356.

Submission:

Ambry Genetics
Classification: Uncertain significance for Hereditary cancer-predisposing syndrome. Last evaluated: 2025-05-01. Review status: criteria provided, single submitter. Criteria: Ambry Variant Classification Scheme 2023. Collection method: clinical testing. Allele origin: germline.
Comment: The p.Q685L variant (also known as c.2054A>T), located in coding exon 13 of the RAD50 gene, results from an A to T substitution at nucleotide position 2054. The glutamine at codon 685 is replaced by leucine, an amino acid with dissimilar properties. This amino acid position is conserved. In addition, the in silico prediction for this alteration is inconclusive. Based on the available evidence, the clinical significance of this variant remains unclear.